The following is an entry in ClinVar:

NM_004380.3(CREBBP):c.6684C>G (p.His2228Gln)

Gene: CREBBP (CREB binding lysine acetyltransferase; minus strand). Cytogenetic location: 16p13.3.
Variant type: single nucleotide variant.
Coding change: c.6684C>G on transcript NM_004380.3 (MANE Select); coding-DNA position 6684, C replaced by G.
Protein change: p.His2228Gln; replaces histidine 2228 with glutamine.
Molecular consequence: missense variant.
Genome position (GRCh38, 1-based): chr16:3,728,363, G>C on the plus strand (C>G on the coding strand, the complement: CREBBP is on the minus strand). VCF-style: chr16-3728363-G-C. GRCh37 (hg19) VCF-style: chr16-3778364-G-C.
Other names: c.6570C>G, p.His2190Gln (NM_001079846.1); short protein forms H2190Q, H2228Q.
Identifiers: ClinVar variation 3660677 (VCV003660677.2).

ClinVar aggregate classification (germline): Uncertain significance (1 of 4 stars; one submission).

Conditions:
Rubinstein-Taybi syndrome (RSTS). Identifiers: Orphanet 783, MedGen C0035934, MONDO:0019188.

gnomAD v4.1: 3 of 1,608,034 alleles (0.00019%); highest among the groups gnomAD compares: African/African-American, 0.0013%; no homozygotes.

Submission:

Labcorp Genetics (formerly Invitae), Labcorp
Classification: Uncertain significance for Rubinstein-Taybi syndrome. Last evaluated: 2024-07-27. Review status: criteria provided, single submitter. Criteria: Invitae Variant Classification Sherloc (09022015). Collection method: clinical testing. Allele origin: germline.
Comment: This sequence change replaces histidine, which is basic and polar, with glutamine, which is neutral and polar, at codon 2228 of the CREBBP protein (p.His2228Gln). This variant is not present in population databases (gnomAD no frequency). This variant has not been reported in the literature in individuals affected with CREBBP-related conditions. Advanced modeling of protein sequence and biophysical properties (such as structural, functional, and spatial information, amino acid conservation, physicochemical variation, residue mobility, and thermodynamic stability) performed at Invitae indicates that this missense variant is not expected to disrupt CREBBP protein function with a negative predictive value of 95%. In summary, the available evidence is currently insufficient to determine the role of this variant in disease. Therefore, it has been classified as a Variant of Uncertain Significance.